The following is an entry in ClinVar:

ClinVar aggregate classification (germline): Uncertain significance. Review status: criteria provided, multiple submitters, no conflicts (2 of 4 stars). 4 submissions from 4 submitters: Uncertain significance (4). Last evaluated 2025-12-16.

Conditions:
Hereditary cancer-predisposing syndrome. Also called: Hereditary neoplastic syndrome; Hereditary Cancer Syndrome; Tumor predisposition; Neoplastic Syndromes, Hereditary. Identifiers: Orphanet 140162, MedGen C0027672, MeSH D009386, MONDO:0015356.
Hereditary pheochromocytoma and paraganglioma. Also called: Hereditary pheochromocytoma-paraganglioma; Hereditary Paraganglioma-Pheochromocytoma Syndromes; Hereditary paragangliomas and pheochromocytomas. Identifiers: Orphanet 29072, MedGen C4274332, MONDO:0017366.

Allele frequency attached by ClinVar (database versions not stated): gnomAD 0.00001; gnomAD exomes 0.00001; ExAC 0.00002.
gnomAD v4.1: 11 of 1,614,012 alleles (0.00068%); highest among the groups gnomAD compares: Middle Eastern, 0.033%; no homozygotes.

Submissions (4):

Labcorp Genetics (formerly Invitae), Labcorp
Classification: Uncertain significance for Hereditary pheochromocytoma and paraganglioma. Last evaluated: 2025-12-16. Review status: criteria provided, single submitter. Criteria: Invitae Variant Classification Sherloc (09022015). Collection method: clinical testing. Allele origin: germline.
Comment: This sequence change replaces valine, which is neutral and non-polar, with alanine, which is neutral and non-polar, at codon 3 of the SDHAF2 protein (p.Val3Ala). This variant is present in population databases (rs760006057, gnomAD 0.002%). This variant has not been reported in the literature in individuals affected with SDHAF2-related conditions. ClinVar contains an entry for this variant (Variation ID: 948473). An algorithm developed to predict the effect of missense changes on protein structure and function outputs the following: PolyPhen-2: "Benign". The alanine amino acid residue is found in multiple mammalian species, which suggests that this missense change does not adversely affect protein function. In summary, the available evidence is currently insufficient to determine the role of this variant in disease. Therefore, it has been classified as a Variant of Uncertain Significance.

Color Diagnostics, LLC DBA Color Health
Classification: Uncertain significance for Hereditary pheochromocytoma and paraganglioma. Last evaluated: 2025-06-29. Review status: criteria provided, single submitter. Criteria: ACMG Guidelines, 2015. Collection method: clinical testing. Allele origin: germline.
Comment: This missense variant replaces valine with alanine at codon 3 of the SDHAF2 protein. Computational prediction suggests that this variant may not impact protein structure and function. To our knowledge, functional studies have not been reported for this variant. This variant has not been reported in individuals affected with SDHAF2-related disorders in the literature. This variant has been identified in 3/250670 chromosomes in the general population by the Genome Aggregation Database (gnomAD). The available evidence is insufficient to determine the role of this variant in disease conclusively. Therefore, this variant is classified as a Variant of Uncertain Significance.

Ambry Genetics
Classification: Uncertain significance for Hereditary cancer-predisposing syndrome. Last evaluated: 2024-07-24. Review status: criteria provided, single submitter. Criteria: Ambry Variant Classification Scheme 2023. Collection method: clinical testing. Allele origin: germline.
Comment: The p.V3A variant (also known as c.8T>C), located in coding exon 1 of the SDHAF2 gene, results from a T to C substitution at nucleotide position 8. The valine at codon 3 is replaced by alanine, an amino acid with similar properties. This amino acid position is conserved. In addition, this alteration is predicted to be tolerated by in silico analysis. Since supporting evidence is limited at this time, the clinical significance of this alteration remains unclear.

All of Us Research Program, National Institutes of Health
Classification: Uncertain significance for Hereditary pheochromocytoma and paraganglioma. Last evaluated: 2023-05-30. Review status: criteria provided, single submitter. Criteria: ACMG Guidelines, 2015. Collection method: clinical testing. Allele origin: germline. Inheritance: Autosomal dominant inheritance. Observed: 2 variant alleles, 2 heterozygotes.
Comment: This missense variant replaces valine with alanine at codon 3 of the SDHAF2 protein. Computational prediction suggests that this variant may not impact protein structure and function (internally defined REVEL score threshold <= 0.5, PMID: 27666373). To our knowledge, functional studies have not been reported for this variant. This variant has not been reported in individuals affected with SDHAF2-related disorders in the literature. This variant has been identified in 3/250670 chromosomes in the general population by the Genome Aggregation Database (gnomAD). The available evidence is insufficient to determine the role of this variant in disease conclusively. Therefore, this variant is classified as a Variant of Uncertain Significance.

This study involves interpretation of variants in research participants for the purpose of population health screening. Participant phenotype was not available at the time of variant classification. Additional details can be found in publication PMID: 35346344, PMCID: PMC8962531

NM_017841.4(SDHAF2):c.8T>C (p.Val3Ala)

Gene: SDHAF2 (succinate dehydrogenase complex assembly factor 2; plus strand). Cytogenetic location: 11q12.2.
Variant type: single nucleotide variant.
Coding change: c.8T>C on transcript NM_017841.4 (MANE Select); coding-DNA position 8, T replaced by C.
Protein change: p.Val3Ala; replaces valine 3 with alanine.
Molecular consequence: missense variant.
Genome position (GRCh38, 1-based): chr11:61,430,154, T>C. VCF-style: chr11-61430154-T-C. GRCh37 (hg19) VCF-style: chr11-61197626-T-C.
Other names: short protein forms V3A.
Identifiers: ClinVar variation 948473 (VCV000948473.12), dbSNP rs760006057, ClinGen allele CA059606.